The following is an entry in ClinVar:

NM_001267550.2(TTN):c.47779G>T (p.Gly15927Ter)

Genes: TTN (titin; minus strand), TTN-AS1 (TTN antisense RNA 1; plus strand). Cytogenetic location: 2q31.2.
Variant type: single nucleotide variant.
Coding change: c.47779G>T on transcript NM_001267550.2 (MANE Select); coding-DNA position 47779, G replaced by T.
Protein change: p.Gly15927Ter; replaces glycine 15927 with a stop codon.
Molecular consequence: nonsense.
Genome position (GRCh38, 1-based): chr2:178,617,216, C>A on the plus strand (G>T on the coding strand, the complement: TTN is on the minus strand). VCF-style: chr2-178617216-C-A. GRCh37 (hg19) VCF-style: chr2-179481943-C-A.
Other names: c.42856G>T, p.Gly14286Ter (NM_001256850.1); c.20584G>T, p.Gly6862Ter (NM_003319.4); c.40075G>T, p.Gly13359Ter (NM_133378.4); c.20959G>T, p.Gly6987Ter (NM_133432.3); c.21160G>T, p.Gly7054Ter (NM_133437.4); short protein forms G13359*, G6862*, G7054*, G14286*, G6987*, G15927*.
Identifiers: ClinVar variation 2566345 (VCV002566345.2), dbSNP rs2057501802, ClinGen allele CA349613369.

ClinVar aggregate classification (germline): Likely pathogenic (1 of 4 stars; one submission).

Conditions:
Cardiovascular phenotype. Identifiers: MedGen CN230736.

Submission:

Ambry Genetics
Classification: Likely pathogenic for Cardiovascular phenotype. Last evaluated: 2023-03-20. Review status: criteria provided, single submitter. Criteria: Ambry Variant Classification Scheme 2023. Collection method: clinical testing. Allele origin: germline.
Comment: The p.G6862* variant (also known as c.20584G>T), located in coding exon 82 of the TTN gene, results from a G to T substitution at nucleotide position 20584. This changes the amino acid from a glycine to a stop codon within coding exon 82. This exon is located in the A-band region of the N2-B isoform of the titin protein and is constitutively expressed in TTN transcripts (percent spliced in or PSI 100%). This variant is considered to be rare based on population cohorts in the Genome Aggregation Database (gnomAD). This alteration is expected to result in loss of function by premature protein truncation or nonsense-mediated mRNA decay. While truncating variants in TTN are present in 1-3% of the general population, truncating variants in the A-band are the most common cause of dilated cardiomyopathy (DCM) (Herman DS et al. N. Engl. J. Med., 2012 Feb;366:619-28; Roberts AM et al. Sci Transl Med, 2015 Jan;7:270ra6). TTN truncating variants encoded in constitutive exons (PSI >90%) have been found to be significantly associated with DCM regardless of their position in titin (Schafer S et al. Nat. Genet., 2017 01;49:46-53). Based on the majority of available evidence to date, this variant is likely to be pathogenic.